The following is an entry in ClinVar:

NM_000308.4(CTSA):c.23C>T (p.Pro8Leu)

Gene: CTSA (cathepsin A; plus strand). Cytogenetic location: 20q13.12.
Variant type: single nucleotide variant.
Coding change: c.23C>T on transcript NM_000308.4 (MANE Select); coding-DNA position 23, C replaced by T.
Protein change: p.Pro8Leu; replaces proline 8 with leucine.
Molecular consequence: missense variant. On other transcripts: non-coding transcript variant (1).
Genome position (GRCh38, 1-based): chr20:45,891,591, C>T. VCF-style: chr20-45891591-C-T. GRCh37 (hg19) VCF-style: chr20-44520230-C-T.
Other names: c.23C>T, p.Pro8Leu (NM_001127695.3, NM_001167594.3); short protein forms P8L.
Identifiers: ClinVar variation 4797086 (VCV004797086.1).
Genomic context (GRCh38, chr20:45,891,591, plus strand): 5'-GAGGAGCGAGTCAACAGCCCCTCTGCTGCCTCCCGTAGATGATCCGAGCCGCGCCGCCGC[C>T]GCTGTTCCTGCTGCTGCTGCTGCTGCTGCTGCTAGTGTCCTGGGCGTCCCGAGGCGAGGC-3'
Protein context (NP_000299.3, residues 1-18): MIRAAPP[Pro8Leu]LFLLLLLLLL

ClinVar aggregate classification (germline): Uncertain significance (1 of 4 stars; one submission).

Conditions:
Combined deficiency of sialidase AND beta galactosidase (GSL). Also called: CATHEPSIN A DEFICIENCY; GOLDBERG SYNDROME; NEURAMINIDASE DEFICIENCY WITH BETA-GALACTOSIDASE DEFICIENCY; NEURAMINIDASE/BETA-GALACTOSIDASE EXPRESSION; PPCA DEFICIENCY; PROTECTIVE PROTEIN/CATHEPSIN A DEFICIENCY. Identifiers: Orphanet 351, MedGen C0268233, MONDO:0009737, OMIM 256540.

Submission:

Labcorp Genetics (formerly Invitae), Labcorp
Classification: Uncertain significance for Combined deficiency of sialidase AND beta galactosidase. Last evaluated: 2025-10-19. Review status: criteria provided, single submitter. Criteria: Invitae Variant Classification Sherloc (09022015). Collection method: clinical testing. Allele origin: germline.
Comment: This sequence change replaces proline, which is neutral and non-polar, with leucine, which is neutral and non-polar, at codon 26 of the CTSA protein (p.Pro26Leu). The frequency data for this variant in the population databases is considered unreliable, as metrics indicate poor data quality at this position in the gnomAD database. This variant has not been reported in the literature in individuals affected with CTSA-related conditions. An algorithm developed to predict the effect of missense changes on protein structure and function outputs the following: PolyPhen-2: "Benign". The leucine amino acid residue is found in multiple mammalian species, which suggests that this missense change does not adversely affect protein function. In summary, the available evidence is currently insufficient to determine the role of this variant in disease. Therefore, it has been classified as a Variant of Uncertain Significance.